The following is an entry in ClinVar:

ClinVar aggregate classification (germline): Uncertain significance (1 of 4 stars; one submission).

Submission:

Ambry Genetics
Classification: Uncertain significance. Last evaluated: 2026-08-08. Review status: criteria provided, single submitter. Criteria: Ambry Variant Classification Scheme 2023. Collection method: clinical testing. Allele origin: germline.
Comment: The p.I405T variant (also known as c.1214T>C), located in coding exon 4 of the WNK2 gene, results from a T to C substitution at nucleotide position 1214. The isoleucine at codon 405 is replaced by threonine, an amino acid with similar properties. This amino acid position is conserved. In addition, this alteration is predicted to be deleterious by in silico analysis. Based on the available evidence, the clinical significance of this variant remains unclear.

NM_006648.4(WNK2):c.1214T>C (p.Ile405Thr)

Gene: WNK2 (WNK lysine deficient protein kinase 2; plus strand). Cytogenetic location: 9q22.31.
Variant type: single nucleotide variant.
Coding change: c.1214T>C on transcript NM_006648.4 (MANE Select); coding-DNA position 1214, T replaced by C.
Protein change: p.Ile405Thr; replaces isoleucine 405 with threonine.
Molecular consequence: missense variant.
Genome position (GRCh38, 1-based): chr9:93,234,946, T>C. VCF-style: chr9-93234946-T-C. GRCh37 (hg19) VCF-style: chr9-95997228-T-C.
Other names: c.1214T>C, p.Ile405Thr (NM_001282394.3); short protein forms I405T.
Identifiers: ClinVar variation 5031911 (VCV005031911.1).